The following is an entry in ClinVar:

NM_001085411.3(NADK2):c.1011T>A (p.Ile337=)

Gene: NADK2 (NAD kinase 2, mitochondrial; minus strand). Cytogenetic location: 5p13.2.
Variant type: single nucleotide variant.
Coding change: c.1011T>A on transcript NM_001085411.3 (MANE Select); coding-DNA position 1011, T replaced by A.
Protein change: p.Ile337=; no amino-acid change (isoleucine 337 retained).
Molecular consequence: synonymous variant.
Genome position (GRCh38, 1-based): chr5:36,201,107, A>T on the plus strand (T>A on the coding strand, the complement: NADK2 is on the minus strand). VCF-style: chr5-36201107-A-T. GRCh37 (hg19) VCF-style: chr5-36201209-A-T.
Other names: c.522T>A, p.Ile174= (NM_001287340.2, NM_153013.5); c.588T>A, p.Ile196= (NM_001287341.2).
Identifiers: ClinVar variation 4806732 (VCV004806732.1).

ClinVar aggregate classification (germline): Uncertain significance (1 of 4 stars; one submission).

Conditions:
Progressive encephalopathy with leukodystrophy due to DECR deficiency. Identifiers: Orphanet 431361, MedGen C1857252, MONDO:0014464, OMIM 616034.

gnomAD v4.1: 2 of 1,612,378 alleles (0.00012%); highest among the groups gnomAD compares: East Asian, 0.0045%; no homozygotes.

Submission:

Labcorp Genetics (formerly Invitae), Labcorp
Classification: Uncertain significance for Progressive encephalopathy with leukodystrophy due to DECR deficiency. Last evaluated: 2025-11-05. Review status: criteria provided, single submitter. Criteria: Invitae Variant Classification Sherloc (09022015). Collection method: clinical testing. Allele origin: germline.
Comment: This sequence change affects codon 337 of the NADK2 mRNA. It is a 'silent' change, meaning that it does not change the encoded amino acid sequence of the NADK2 protein. It affects a nucleotide within the consensus splice site. This variant is present in population databases (no rsID available, gnomAD 0.006%). This variant has not been reported in the literature in individuals affected with NADK2-related conditions. Algorithms developed to predict the effect of sequence changes on RNA splicing suggest that this variant is not likely to affect RNA splicing. In summary, the available evidence is currently insufficient to determine the role of this variant in disease. Therefore, it has been classified as a Variant of Uncertain Significance.